The following is an entry in ClinVar:

ClinVar aggregate classification (germline): Uncertain significance. Review status: criteria provided, multiple submitters, no conflicts (2 of 4 stars). 2 submissions from 2 submitters: Uncertain significance (2). Last evaluated 2026-01-27.

Conditions:
Immunodeficiency 57. Also called: IMMUNODEFICIENCY 57 WITH AUTOINFLAMMATION. Identifiers: MedGen C4748212, MONDO:0020849, OMIM 618108.
Autoinflammation with episodic fever and lymphadenopathy. Also called: CLEAVAGE-RESISTANT RIPK1-INDUCED AUTOINFLAMMATORY SYNDROME; CRIA SYNDROME. Identifiers: MedGen C5394286, MONDO:0030018, OMIM 618852.

Allele frequency attached by ClinVar (database versions not stated): gnomAD 0.00044 and 0.00045; ESP Exome Variant Server 0.00046; gnomAD exomes 0.00035; TOPMed 0.00037; ExAC 0.00038.
gnomAD v4.1: 779 of 1,611,834 alleles (0.048%); highest among the groups gnomAD compares: Admixed American, 0.063%; 3 homozygotes.

Submissions (2):

Labcorp Genetics (formerly Invitae), Labcorp
Classification: Uncertain significance. Last evaluated: 2026-01-27. Review status: criteria provided, single submitter. Criteria: Invitae Variant Classification Sherloc (09022015). Collection method: clinical testing. Allele origin: germline.
Comment: This sequence change replaces phenylalanine, which is neutral and non-polar, with leucine, which is neutral and non-polar, at codon 28 of the RIPK1 protein (p.Phe28Leu). This variant is present in population databases (rs146652253, gnomAD 0.06%). This variant has not been reported in the literature in individuals affected with RIPK1-related conditions. ClinVar contains an entry for this variant (Variation ID: 1445799). An algorithm developed to predict the effect of missense changes on protein structure and function (PolyPhen-2) suggests that this variant is likely to be disruptive. In summary, the available evidence is currently insufficient to determine the role of this variant in disease. Therefore, it has been classified as a Variant of Uncertain Significance.

Fulgent Genetics
Classification: Uncertain significance for Immunodeficiency 57; Autoinflammation with episodic fever and lymphadenopathy. Last evaluated: 2021-08-12. Review status: criteria provided, single submitter. Criteria: ACMG Guidelines, 2015. Collection method: clinical testing. Allele origin: unknown.

NM_001354930.2(RIPK1):c.82T>C (p.Phe28Leu)

Gene: RIPK1 (receptor interacting serine/threonine kinase 1; plus strand). Cytogenetic location: 6p25.2.
Variant type: single nucleotide variant.
Coding change: c.82T>C on transcript NM_001354930.2 (MANE Select); coding-DNA position 82, T replaced by C.
Protein change: p.Phe28Leu; replaces phenylalanine 28 with leucine.
Molecular consequence: missense variant. On other transcripts: 5 prime UTR variant (4).
Genome position (GRCh38, 1-based): chr6:3,076,905, T>C. VCF-style: chr6-3076905-T-C. GRCh37 (hg19) VCF-style: chr6-3077139-T-C.
Other names: c.-522T>C (NM_001317061.3, NM_001354932.2, NM_001354933.2 and 1 more transcripts); c.82T>C, p.Phe28Leu (NM_001354931.2, NM_003804.6); short protein forms F28L.
Identifiers: ClinVar variation 1445799 (VCV001445799.7), dbSNP rs146652253, ClinGen allele CA3618062.